The following is an entry in ClinVar:

NM_006009.4(TUBA1A):c.635_640del (p.Ile212_Arg214delinsSer)

Gene: TUBA1A (tubulin alpha 1a; minus strand). Cytogenetic location: 12q13.12.
Variant type: Deletion.
Coding change: c.635_640del on transcript NM_006009.4 (MANE Select); coding-DNA positions 635 to 640, 6 bases deleted (TCTGTC; older notation c.635_640delTCTGTC).
Protein change: p.Ile212_Arg214delinsSer.
Molecular consequence: inframe indel.
Genome position (GRCh38, 1-based): chr12:49,185,726-49,185,731, GACAGA deleted on the plus strand (TCTGTC on the coding strand, the reverse complement: TUBA1A is on the minus strand). VCF-style (leftmost placement, unchanged base first): chr12-49185725-CGACAGA-C. GRCh37 (hg19) VCF-style: chr12-49579508-CGACAGA-C.
Other names: c.635_640del, p.Ile212_Arg214delinsSer (NM_001270399.2); c.530_535del, p.Ile177_Arg179delinsSer (NM_001270400.2).
Identifiers: ClinVar variation 1679172 (VCV001679172.2), dbSNP rs2121244201, ClinGen allele CA2573148699.

ClinVar aggregate classification (germline): Likely pathogenic (1 of 4 stars; one submission).

Conditions:
Lissencephaly due to TUBA1A mutation (CDCBM16). Also called: CORTICAL DYSPLASIA, COMPLEX, WITH OTHER BRAIN MALFORMATIONS 16; Lissencephaly 3. Identifiers: Orphanet 171680, MedGen C4305153, MONDO:0012703, OMIM 611603.

Submission:

Institute of Human Genetics, University of Leipzig Medical Center
Classification: Likely pathogenic for Lissencephaly due to TUBA1A mutation. Last evaluated: 2022-08-15. Review status: criteria provided, single submitter. Criteria: ACMG Guidelines, 2015. Collection method: clinical testing. Allele origin: de novo. Affected: yes.
Comment: This variant was identified as de novo (maternity and paternity confirmed)._x000D_ Criteria applied: PS2_MOD, PM1, PM4, PM2_SUP